The following is an entry in ClinVar:

ClinVar aggregate classification (germline): Uncertain significance (1 of 4 stars; one submission).

Conditions:
Familial hypocalciuric hypercalcemia (FHH). Also called: Familial benign hypercalcemia. Identifiers: Orphanet 405, MedGen C1809471, MONDO:0018458.
Autosomal dominant hypocalcemia 1 (HYPOC1). Also called: HYPOCALCEMIA, FAMILIAL. Identifiers: MedGen C3715128, MONDO:0011013, OMIM 601198.

Submission:

Labcorp Genetics (formerly Invitae), Labcorp
Classification: Uncertain significance for Familial hypocalciuric hypercalcemia; Autosomal dominant hypocalcemia 1. Last evaluated: 2022-09-19. Review status: criteria provided, single submitter. Criteria: Invitae Variant Classification Sherloc (09022015). Collection method: clinical testing. Allele origin: germline.
Comment: Algorithms developed to predict the effect of missense changes on protein structure and function (SIFT, PolyPhen-2, Align-GVGD) all suggest that this variant is likely to be disruptive. This variant has not been reported in the literature in individuals affected with CASR-related conditions. This variant is not present in population databases (gnomAD no frequency). This sequence change replaces cysteine, which is neutral and slightly polar, with serine, which is neutral and polar, at codon 691 of the CASR protein (p.Cys691Ser). In summary, the available evidence is currently insufficient to determine the role of this variant in disease. Therefore, it has been classified as a Variant of Uncertain Significance.

NM_000388.4(CASR):c.2072G>C (p.Cys691Ser)

Gene: CASR (calcium sensing receptor; plus strand). Cytogenetic location: 3q21.1.
Variant type: single nucleotide variant.
Coding change: c.2072G>C on transcript NM_000388.4 (MANE Select); coding-DNA position 2072, G replaced by C.
Protein change: p.Cys691Ser; replaces cysteine 691 with serine.
Molecular consequence: missense variant.
Genome position (GRCh38, 1-based): chr3:122,284,026, G>C. VCF-style: chr3-122284026-G-C. GRCh37 (hg19) VCF-style: chr3-122002873-G-C.
Other names: c.2102G>C, p.Cys701Ser (NM_001178065.2); short protein forms C701S, C691S.
Identifiers: ClinVar variation 2073134 (VCV002073134.4), dbSNP rs2473277762, ClinGen allele CA354158431.